The following is an entry in ClinVar:

ClinVar aggregate classification (germline): Conflicting classifications of pathogenicity. Review status: criteria provided, conflicting classifications (1 of 4 stars). 2 submissions from 2 submitters: Uncertain significance (1); Likely benign (1). Last evaluated 2025-10-30.

Submissions (2):

Dasa
Classification: Uncertain significance. Last evaluated: 2025-10-30. Review status: criteria provided, single submitter. Criteria: DASA Assertion Criteria. Collection method: clinical testing. Allele origin: germline.
Comment: NM_001372044.2(SHANK3):c.2121+9G>A is a splice-region variant. This variant is rare in population databases. The currently available literature and clinical evidence are not sufficient to establish a definitive association between this variant and the reported condition. Therefore, this variant is classified as a variant of uncertain significance.

Blueprint Genetics
Classification: Likely benign. Last evaluated: 2023-11-29. Review status: criteria provided, single submitter. Criteria: ACMG Guidelines, 2015. Collection method: clinical testing. Allele origin: germline.

NM_001372044.2(SHANK3):c.2086+9G>A

Genes: SHANK3 (SH3 and multiple ankyrin repeat domains 3; plus strand), LOC126863188 (CDK7 strongly-dependent group 2 enhancer GRCh37_chr22:51142004-51143203; plus strand). Cytogenetic location: 22q13.33.
Variant type: single nucleotide variant.
Coding change: c.2086+9G>A on transcript NM_001372044.2 (MANE Select); 9 bases into the intron after coding-DNA position 2086, G replaced by A.
Molecular consequence: intron variant.
Genome position (GRCh38, 1-based): chr22:50,704,871, G>A. VCF-style: chr22-50704871-G-A. GRCh37 (hg19) VCF-style: chr22-51143299-G-A.
Other names: c.2121+9G>A (NM_001372044.2).
Identifiers: ClinVar variation 4883835 (VCV004883835.3).